The following is an entry in ClinVar:

NM_001081.4(CUBN):c.5416C>A (p.His1806Asn)

Gene: CUBN (cubilin; minus strand). Cytogenetic location: 10p13.
Variant type: single nucleotide variant.
Coding change: c.5416C>A on transcript NM_001081.4 (MANE Select); coding-DNA position 5416, C replaced by A.
Protein change: p.His1806Asn; replaces histidine 1806 with asparagine.
Molecular consequence: missense variant.
Genome position (GRCh38, 1-based): chr10:16,940,164, G>T on the plus strand (C>A on the coding strand, the complement: CUBN is on the minus strand). VCF-style: chr10-16940164-G-T. GRCh37 (hg19) VCF-style: chr10-16982163-G-T.
Other names: c.5416C>A (NM_001081.3); short protein forms H1806N.
Identifiers: ClinVar variation 1036352 (VCV001036352.10), dbSNP rs146438022, ClinGen allele CA5424008.
Genomic context (GRCh38, chr10:16,940,164, plus strand): 5'-GTCCAACGATGGAAGAATAATTGAGAGGGAAGGAGTTTCCACAGTATCGTCCCACCAAGT[G>T]ACCCGTGGCATTTCCTTCACGGATCTCCACAAAATCTCTGCTGCAGTCCTGAGAGTCTTC-3'
Protein context (NP_001072.2, residues 1796-1816): VEIREGNATG[His1806Asn]LVGRYCGNSF

ClinVar aggregate classification (germline): Uncertain significance. Review status: criteria provided, multiple submitters, no conflicts (2 of 4 stars). 4 submissions from 4 submitters: Uncertain significance (4). Last evaluated 2025-06-30.

Conditions:
Proteinuria, chronic benign. Identifiers: MedGen C5394384, MONDO:0030042, OMIM 618884.
Imerslund-Grasbeck syndrome type 1 (IGS1). Also called: Megaloblastic anemia 1, Finnish type; MEGALOBLASTIC ANEMIA, 1; Imerslund-Gräsbeck syndrome 1. Identifiers: MedGen C4016819, MONDO:0100156, OMIM 261100.
Imerslund-Grasbeck syndrome. Also called: ENTEROCYTE COBALAMIN MALABSORPTION; ENTEROCYTE INTRINSIC FACTOR RECEPTOR, DEFECT OF; Megaloblastic anemia due to inborn errors of metabolism; Imerslund-Gräsbeck syndrome; PERNICIOUS ANEMIA, JUVENILE, DUE TO SELECTIVE INTESTINAL MALABSORPTION OF VITAMIN B12, WITH PROTEINURIA. Identifiers: Orphanet 35858, MedGen C4551825, MONDO:0009853.
Inborn genetic diseases. Identifiers: MedGen C0950123, MeSH D030342.

Allele frequency attached by ClinVar (database versions not stated): TOPMed below 0.00001; gnomAD exomes 0.00002 and 0.00003; ExAC 0.00003; 1000 Genomes Project 0.00020; gnomAD 0.00001; 1000 Genomes Project 30x 0.00016.
gnomAD v4.1: 31 of 1,614,050 alleles (0.0019%); highest among the groups gnomAD compares: African/African-American, 0.02%; no homozygotes.

Submissions (4):

GeneDx
Classification: Uncertain significance. Last evaluated: 2025-06-30. Review status: criteria provided, single submitter. Criteria: GeneDx Variant Classification Process June 2021. Collection method: clinical testing. Allele origin: germline.
Comment: Not observed at significant frequency in large population cohorts (gnomAD); In silico analysis suggests that this missense variant does not alter protein structure/function; Has not been previously published as pathogenic or benign to our knowledge

Labcorp Genetics (formerly Invitae), Labcorp
Classification: Uncertain significance for Imerslund-Grasbeck syndrome. Last evaluated: 2022-07-30. Review status: criteria provided, single submitter. Criteria: Invitae Variant Classification Sherloc (09022015). Collection method: clinical testing. Allele origin: germline.
Comment: This sequence change replaces histidine, which is basic and polar, with asparagine, which is neutral and polar, at codon 1806 of the CUBN protein (p.His1806Asn). This variant is present in population databases (rs146438022, gnomAD 0.007%). This variant has not been reported in the literature in individuals affected with CUBN-related conditions. ClinVar contains an entry for this variant (Variation ID: 1036352). Algorithms developed to predict the effect of missense changes on protein structure and function (SIFT, PolyPhen-2, Align-GVGD) all suggest that this variant is likely to be tolerated. In summary, the available evidence is currently insufficient to determine the role of this variant in disease. Therefore, it has been classified as a Variant of Uncertain Significance.

Ambry Genetics
Classification: Uncertain significance for Inborn genetic diseases. Last evaluated: 2022-04-25. Review status: criteria provided, single submitter. Criteria: Ambry Variant Classification Scheme 2023. Collection method: clinical testing. Allele origin: germline.

Fulgent Genetics
Classification: Uncertain significance for Imerslund-Grasbeck syndrome type 1; Proteinuria, chronic benign. Last evaluated: 2021-11-11. Review status: criteria provided, single submitter. Criteria: ACMG Guidelines, 2015. Collection method: clinical testing. Allele origin: unknown.